The following is an entry in ClinVar:

ClinVar aggregate classification (germline): Uncertain significance (1 of 4 stars; one submission).

Allele frequency attached by ClinVar (database versions not stated): gnomAD exomes below 0.00001.
gnomAD v4.1: 2 of 1,612,560 alleles (0.00012%); highest among the groups gnomAD compares: Non-Finnish European, 0.00017%; no homozygotes.

Submission:

Laboratory for Molecular Medicine, Mass General Brigham Personalized Medicine
Classification: Uncertain significance. Last evaluated: 2017-03-28. Review status: criteria provided, single submitter. Criteria: LMM Criteria. Collection method: clinical testing. Allele origin: germline. Observed: 1 variant allele.
Comment: The p.Leu3834Met variant in USH2A has not been previously reported in individual s with hearing loss or in large population studies. Computational prediction too ls and conservation analysis suggest that the p.Leu3834Met variant may impact th e protein, though this information is not predictive enough to determine pathoge nicity. In summary, the clinical significance of the p.Leu3834Met variant is unc ertain

NM_206933.4(USH2A):c.11500T>A (p.Leu3834Met)

Gene: USH2A (usherin; minus strand). Cytogenetic location: 1q41.
Variant type: single nucleotide variant.
Coding change: c.11500T>A on transcript NM_206933.4 (MANE Select); coding-DNA position 11500, T replaced by A.
Protein change: p.Leu3834Met; replaces leucine 3834 with methionine.
Molecular consequence: missense variant.
Genome position (GRCh38, 1-based): chr1:215,743,225, A>T on the plus strand (T>A on the coding strand, the complement: USH2A is on the minus strand). VCF-style: chr1-215743225-A-T. GRCh37 (hg19) VCF-style: chr1-215916567-A-T.
Other names: short protein forms L3834M.
Identifiers: ClinVar variation 517320 (VCV000517320.5), dbSNP rs1553257690, ClinGen allele CA344834762.